The following is an entry in ClinVar:

ClinVar aggregate classification (germline): Likely benign. Review status: criteria provided, multiple submitters, no conflicts (2 of 4 stars). 3 submissions from 3 submitters: Likely benign (3). Last evaluated 2026-03-01.

gnomAD v4.1: 97 of 1,611,578 alleles (0.006%); highest among the groups gnomAD compares: Middle Eastern, 0.074%; no homozygotes.

Submissions (3):

CeGaT Center for Human Genetics Tuebingen
Classification: Likely benign. Last evaluated: 2026-03-01. Review status: criteria provided, single submitter. Criteria: CeGaT Center For Human Genetics Tuebingen Variant Classification Criteria Version 2. Collection method: clinical testing. Allele origin: germline. Affected: yes. Observed: 1 variant allele.
Comment: PKD1: BP4, BP7

Women's Health and Genetics/Laboratory Corporation of America, LabCorp
Classification: Likely benign. Last evaluated: 2025-01-06. Review status: criteria provided, single submitter. Criteria: LabCorp Variant Classification Summary - May 2015. Collection method: clinical testing. Allele origin: germline.

Blueprint Genetics
Classification: Likely benign. Last evaluated: 2024-09-23. Review status: criteria provided, single submitter. Criteria: ACMG Guidelines, 2015. Collection method: clinical testing. Allele origin: germline.

NM_001009944.3(PKD1):c.4962C>T (p.Ala1654=)

Gene: PKD1 (polycystin 1, transient receptor potential channel interacting; minus strand). Cytogenetic location: 16p13.3.
Variant type: single nucleotide variant.
Coding change: c.4962C>T on transcript NM_001009944.3 (MANE Select); coding-DNA position 4962, C replaced by T.
Protein change: p.Ala1654=; no amino-acid change (alanine 1654 retained).
Molecular consequence: synonymous variant.
Genome position (GRCh38, 1-based): chr16:2,110,205, G>A on the plus strand (C>T on the coding strand, the complement: PKD1 is on the minus strand). VCF-style: chr16-2110205-G-A. GRCh37 (hg19) VCF-style: chr16-2160206-G-A.
Other names: c.4962C>T, p.Ala1654= (NM_000296.4).
Identifiers: ClinVar variation 3769258 (VCV003769258.7).